The following is an entry in ClinVar:

ClinVar aggregate classification (germline): Uncertain significance. Review status: criteria provided, single submitter (1 of 4 stars). 2 submissions from 1 submitter: Uncertain significance (1). 1 of the submissions does not count toward it. Last evaluated 2018-05-23.

Conditions:
Muscular dystrophy-dystroglycanopathy (congenital with brain and eye anomalies), type a, 10 (MDDGA10). Also called: WALKER-WARBURG SYNDROME OR MUSCLE-EYE-BRAIN DISEASE, TMEM5-RELATED. Identifiers: Orphanet 899, MedGen C3554381, MONDO:0014022, OMIM 615041.

Submissions (2):

Labcorp Genetics (formerly Invitae), Labcorp
Classification: Uncertain significance. Last evaluated: 2018-05-23. Review status: criteria provided, single submitter. Criteria: Invitae Variant Classification Sherloc (09022015). Collection method: clinical testing. Allele origin: germline.
Comment: This variant results in a copy number gain of the genomic region encompassing exon 5 of the TMEM5 gene. While the exact position of this variant cannot be determined from this data, sub-genic copy number gains are generally in tandem (PMID: 25640679). This variant would be expected to be in-frame, preserving the integrity of the reading frame. This variant has not been reported in the literature in individuals with TMEM5-related disease. In summary, the available evidence is currently insufficient to determine the role of this variant in disease. Therefore, it has been classified as a Variant of Uncertain Significance.

Labcorp Genetics (formerly Invitae), Labcorp
Classification: Uncertain significance for Muscular dystrophy-dystroglycanopathy (congenital with brain and eye anomalies), type a, 10. Last evaluated: 2018-06-02. Review status: flagged submission. Criteria: Invitae Variant Classification Sherloc (09022015). Collection method: clinical testing. Allele origin: germline. Not counted in ClinVar's aggregate classification.
Comment: the same text as in the submission from Labcorp Genetics (formerly Invitae), Labcorp above.
ClinVar note: Reason: This record appears to be redundant with a more recent record from the same submitter.
ClinVar note: Notes: SCV000837234 appears to be redundant with SCV001540506.

Literature cited by the submitters: PubMed 25640679.

NC_000012.11:g.(?_64198994)_(64199204_?)dup

Gene: RXYLT1 (ribitol xylosyltransferase 1; plus strand). Cytogenetic location: 12q14.2.
Variant type: Duplication.
Identifiers: ClinVar variation 583870 (VCV000583870.2).